The following is an entry in ClinVar:

NM_001163435.3(TBCK):c.1957T>G (p.Ser653Ala)

Gene: TBCK (TBC1 domain containing kinase; minus strand). Cytogenetic location: 4q24.
Variant type: single nucleotide variant.
Coding change: c.1957T>G on transcript NM_001163435.3 (MANE Select); coding-DNA position 1957, T replaced by G.
Protein change: p.Ser653Ala; replaces serine 653 with alanine.
Molecular consequence: missense variant.
Genome position (GRCh38, 1-based): chr4:106,193,711, A>C on the plus strand (T>G on the coding strand, the complement: TBCK is on the minus strand). VCF-style: chr4-106193711-A-C. GRCh37 (hg19) VCF-style: chr4-107114868-A-C.
Other names: c.1957T>G, p.Ser653Ala (NM_001163436.4); c.1840T>G, p.Ser614Ala (NM_001163437.3); c.1441T>G, p.Ser481Ala (NM_001290768.2); c.1768T>G, p.Ser590Ala (NM_033115.5); short protein forms S481A, S590A, S614A, S653A.
Identifiers: ClinVar variation 3623331 (VCV003623331.2).
Genomic context (GRCh38, chr4:106,193,711, plus strand): 5'-TAGCCAAAAGCCGGTCCCGCAGCTGCTGAAGAATTGCTACTCCAATACAGAATGGGAAAG[A>C]GGAATTCCCAAGTAGTAAGGTATCCCAGAGGTGGAAAATTTTGTGTAGTGGAAATACATC-3'
Protein context (NP_001156907.2, residues 643-663): LWDTLLLGNS[Ser653Ala]FPFCIGVAIL

ClinVar aggregate classification (germline): Uncertain significance (1 of 4 stars; one submission).

gnomAD v4.1: 11 of 1,611,528 alleles (0.00068%); highest among the groups gnomAD compares: South Asian, 0.012%; no homozygotes.

Submission:

Labcorp Genetics (formerly Invitae), Labcorp
Classification: Uncertain significance. Last evaluated: 2024-03-06. Review status: criteria provided, single submitter. Criteria: Invitae Variant Classification Sherloc (09022015). Collection method: clinical testing. Allele origin: germline.
Comment: This sequence change replaces serine, which is neutral and polar, with alanine, which is neutral and non-polar, at codon 653 of the TBCK protein (p.Ser653Ala). This variant is present in population databases (rs767007767, gnomAD 0.01%). This variant has not been reported in the literature in individuals affected with TBCK-related conditions. Advanced modeling of protein sequence and biophysical properties (such as structural, functional, and spatial information, amino acid conservation, physicochemical variation, residue mobility, and thermodynamic stability) performed at Invitae indicates that this missense variant is not expected to disrupt TBCK protein function with a negative predictive value of 80%. In summary, the available evidence is currently insufficient to determine the role of this variant in disease. Therefore, it has been classified as a Variant of Uncertain Significance.